The following is an entry in ClinVar:

ClinVar aggregate classification (germline): Benign. Review status: reviewed by expert panel (3 of 4 stars). 7 submissions from 7 submitters: Benign (1). 6 of the submissions do not count toward it. Last evaluated 2025-09-26.

Conditions:
Monogenic diabetes. Identifiers: Orphanet 183625, MedGen C3888631, MONDO:0015967.
Nonpapillary renal cell carcinoma. Identifiers: Orphanet 422526, MedGen CN074294, MONDO:0007763, OMIM 144700.
HNF1A-related disorder. Also called: HNF1A-related condition.

Allele frequency attached by ClinVar (database versions not stated): TOPMed 0.00006.
gnomAD v4.1: 80 of 1,609,652 alleles (0.005%); highest among the groups gnomAD compares: African/African-American, 0.016%; no homozygotes.

Submissions (7):

ClinGen Monogenic Diabetes Variant Curation Expert Panel
Classification: Benign for Monogenic diabetes. Last evaluated: 2025-09-26. Review status: reviewed by expert panel. Criteria: ClinGen Diabetes ACMG Specifications HNF1A V3.0.0. Collection method: curation. Allele origin: germline. Inheritance: Autosomal dominant inheritance.
Comment: The c.872C>A variant in the HNF1 homeobox A gene, HNF1A, causes an amino acid change of proline to glutamine at codon 291 (p.(Pro291Gln)) of NM_000545.8. This variant has a Grpmax Filtering allele frequency in gnomAD 4.1.0 of 0.00009220, which is greater than the MDEP threshold for BS1 (0.000033) (BS1). This variant has a REVEL score of 0.4469, which is between the ClinGen MDEP thresholds for BP4 and PP3, predicting neither a damaging nor benign impact on HNF1A function. However, functional studies demonstrated the p.Pro291Gln protein has transactivation activity and DNA binding that is above 75% of WT, indicating that this variant does not impact protein function (BS3_Supporting; PMID: 32910913). This variant was identified in five unrelated individuals with non-autoimmune and non-absolute/near-absolute insulin-deficient diabetes; however, PS4 cannot be applied because the variant MAF in gnomAD is above the ClinGen MDEP PM2_Supporting cutoff (PMID: 23771925, internal lab contributors). In summary, c.872C>A meets the criteria to be classified as benign for monogenic diabetes. ACMG/AMP criteria applied, as specified by the ClinGen MDEP (specification version 3.0.0, approved 6/30/2025): BS1, BS2 BS3_Supporting.

Dasa
Classification: Benign. Last evaluated: 2025-12-08. Review status: criteria provided, single submitter. Criteria: DASA Assertion Criteria. Collection method: clinical testing. Allele origin: germline. Not counted in ClinVar's aggregate classification.
Comment: NM_000545.8(HNF1A):c.872C>A (p.Pro291Gln) is interpreted as benign based on a combination of available evidence, including observations in unaffected individuals, and evidence supporting intact protein function. Based on the available data, this variant is classified as benign.

Labcorp Genetics (formerly Invitae), Labcorp
Classification: Uncertain significance. Last evaluated: 2025-09-01. Review status: criteria provided, single submitter. Criteria: Invitae Variant Classification Sherloc (09022015). Collection method: clinical testing. Allele origin: germline. Not counted in ClinVar's aggregate classification.
Comment: This sequence change replaces proline, which is neutral and non-polar, with glutamine, which is neutral and polar, at codon 291 of the HNF1A protein (p.Pro291Gln). The frequency data for this variant in the population databases is considered unreliable, as metrics indicate poor data quality at this position in the gnomAD database. This missense change has been observed in individual(s) with early onset diabetes (PMID: 23771925). ClinVar contains an entry for this variant (Variation ID: 835515). Invitae Evidence Modeling of protein sequence and biophysical properties (such as structural, functional, and spatial information, amino acid conservation, physicochemical variation, residue mobility, and thermodynamic stability) indicates that this missense variant is not expected to disrupt HNF1A protein function with a negative predictive value of 80%. Experimental studies are conflicting or provide insufficient evidence to determine the effect of this variant on HNF1A function (PMID: 37492105). In summary, the available evidence is currently insufficient to determine the role of this variant in disease. Therefore, it has been classified as a Variant of Uncertain Significance.

PreventionGenetics, part of Exact Sciences
Classification: Likely benign for HNF1A-related condition. Last evaluated: 2025-01-09. Review status: criteria provided, single submitter. Criteria: ACMG Guidelines, 2015. Collection method: clinical testing. Allele origin: germline. Not counted in ClinVar's aggregate classification.
Comment: This variant is classified as likely benign based on ACMG/AMP sequence variant interpretation guidelines (Richards et al. 2015 PMID: 25741868, with internal and published modifications).

Women's Health and Genetics/Laboratory Corporation of America, LabCorp
Classification: Likely benign. Last evaluated: 2024-01-31. Review status: criteria provided, single submitter. Criteria: LabCorp Variant Classification Summary - May 2015. Collection method: clinical testing. Allele origin: germline. Not counted in ClinVar's aggregate classification.
Comment: Variant summary: HNF1A c.872C>A (p.Pro291Gln) results in a non-conservative amino acid change located in the Hepatocyte nuclear factor 1, beta isoform, C-terminal (IPR006897) of the encoded protein sequence. Three of five in-silico tools predict a damaging effect of the variant on protein function. The variant allele was found at a frequency of 5e-05 in 1609652 control chromosomes, predominantly at a frequency of 0.00016 within the African or African-American subpopulation in the gnomAD database v4. The observed variant frequency within African or African-American control individuals in the gnomAD database is approximately 6 fold of the estimated maximal expected allele frequency for a pathogenic variant in HNF1A causing Maturity Onset Diabetes Of The Young 3 phenotype (2.5e-05), strongly suggesting that the variant is a benign polymorphism found primarily in populations of African or African-American origin. c.872C>A has been reported in the literature in one unspecified individual from the SEARCH database, which is a US multicenter, population-based study of youth with diabetes (example, Pihoker_2013). These report(s) do not provide unequivocal conclusions about association of the variant with Maturity Onset Diabetes Of The Young 3. At least one publication reports experimental evidence evaluating an impact on protein function. These results did not show an obvious gain-of-function effect of this variant via Luciferase activity assay/secretion assay (DeForest_2023). The following publications have been ascertained in the context of this evaluation (PMID: 37492105, 23771925). ClinVar contains an entry for this variant (Variation ID: 835515). Based on the evidence outlined above, the variant was classified as likely benign.

Baylor Genetics
Classification: Uncertain significance for Nonpapillary renal cell carcinoma. Last evaluated: 2021-04-08. Review status: criteria provided, single submitter. Criteria: ACMG Guidelines, 2015. Collection method: clinical testing. Allele origin: maternal. Affected: yes. Study: CSER-TexasKidsCanSeq. Not counted in ClinVar's aggregate classification.
Comment: This variant was determined to be of uncertain significance according to ACMG Guidelines, 2015 [PMID:25741868].

Genetic Services Laboratory, University of Chicago
Classification: Likely benign. Last evaluated: 2022-08-31. Review status: no assertion criteria provided. Collection method: clinical testing. Allele origin: germline. Affected: no. Not counted in ClinVar's aggregate classification.

Literature cited by the submitters: PubMed 32910913 (cited by ClinGen Monogenic Diabetes Variant Curation Expert Panel); PubMed 23771925 (cited by 3 submitters); PubMed 37492105 (cited by Labcorp Genetics (formerly Invitae), Labcorp and Women's Health and Genetics/Laboratory Corporation of America, LabCorp).

NM_000545.8(HNF1A):c.872C>A (p.Pro291Gln)

Gene: HNF1A (HNF1 homeobox A; plus strand). Cytogenetic location: 12q24.31.
Variant type: single nucleotide variant.
Coding change: c.872C>A on transcript NM_000545.8 (MANE Select); coding-DNA position 872, C replaced by A.
Protein change: p.Pro291Gln; replaces proline 291 with glutamine.
Molecular consequence: missense variant.
Genome position (GRCh38, 1-based): chr12:120,994,322, C>A. VCF-style: chr12-120994322-C-A. GRCh37 (hg19) VCF-style: chr12-121432125-C-A.
Other names: NM_000545.8(HNF1A):c.872C>A; p.Pro291Gln; c.872C>A, p.Pro291Gln (NM_001306179.2); short protein forms P291Q.
Identifiers: ClinVar variation 835515 (VCV000835515.21), dbSNP rs193922606, ClinGen allele CA6831858.